The following is an entry in ClinVar:

ClinVar aggregate classification (germline): Uncertain significance (1 of 4 stars; one submission).

Conditions:
MAGEL2-related disorder. Also called: MAGEL2-related condition.

Submission:

PreventionGenetics, part of Exact Sciences
Classification: Uncertain significance for MAGEL2-related condition. Last evaluated: 2024-11-15. Review status: criteria provided, single submitter. Criteria: ACMG Guidelines, 2015. Collection method: clinical testing. Allele origin: germline.
Comment: The MAGEL2 c.2885G>A variant is predicted to result in the amino acid substitution p.Ser962Asn. To our knowledge, this variant has not been reported in the literature or in a large population database (gnomAD), indicating this variant is rare. At this time, the clinical significance of this variant is uncertain due to the absence of conclusive functional and genetic evidence.

NM_019066.5(MAGEL2):c.2885G>A (p.Ser962Asn)

Gene: MAGEL2 (MAGE family member L2; minus strand). Cytogenetic location: 15q11.2.
Variant type: single nucleotide variant.
Coding change: c.2885G>A on transcript NM_019066.5 (MANE Select); coding-DNA position 2885, G replaced by A.
Protein change: p.Ser962Asn; replaces serine 962 with asparagine.
Molecular consequence: missense variant.
Genome position (GRCh38, 1-based): chr15:23,644,858, C>T on the plus strand (G>A on the coding strand, the complement: MAGEL2 is on the minus strand). VCF-style: chr15-23644858-C-T. GRCh37 (hg19) VCF-style: chr15-23890005-C-T.
Other names: short protein forms S962N.
Identifiers: ClinVar variation 4997679 (VCV004997679.1).
Genomic context (GRCh38, chr15:23,644,858, plus strand): 5'-GAGAGACCCAGGGCCCTGGAGGTGCTCGGGCCCTCCCAGGCACTCAGGGCCCAGGATGCG[C>T]TGGGCCCTTCCCAGCCACTCAGGATCCTGGAGGTGCTAGGGCCCTCCCAACCACTCAGGC-3'
Protein context (NP_061939.3, residues 952-972): SRILSGWEGP[Ser962Asn]ASWALSAWEG